The following is an entry in ClinVar:

NM_080425.4(GNAS):c.934G>A (p.Gly312Ser)

Gene: GNAS (GNAS complex locus; plus strand). Cytogenetic location: 20q13.32.
Variant type: single nucleotide variant.
Coding change: c.934G>A on transcript NM_080425.4 (MANE Plus Clinical); coding-DNA position 934, G replaced by A.
Protein change: p.Gly312Ser; replaces glycine 312 with serine.
Molecular consequence: missense variant. On other transcripts: synonymous variant (2), intron variant (3).
Genome position (GRCh38, 1-based): chr20:58,854,199, G>A. VCF-style: chr20-58854199-G-A. GRCh37 (hg19) VCF-style: chr20-57429254-G-A.
Other names: c.747G>A, p.Leu249= (NM_001077490.3, NM_001309883.1); c.934G>A, p.Gly312Ser (NM_001410913.1); c.*42+13313G>A (NM_016592.5); c.43+13313G>A (NM_001410912.1); c.-39+12324G>A (NM_001309861.2); c.934G>A (NM_080425.3); short protein forms G312S.
Identifiers: ClinVar variation 4279784 (VCV004279784.2).

ClinVar aggregate classification (germline): Uncertain significance. Review status: criteria provided, multiple submitters, no conflicts (2 of 4 stars). 2 submissions from 2 submitters: Uncertain significance (2). Last evaluated 2026-01-29.

Conditions:
GNAS-related disorder. Identifiers: MedGen CN380105.
Pseudohypoparathyroidism type 1C (PHP1C). Also called: PSEUDOHYPOPARATHYROIDISM, TYPE IC; PHP IC; Pseudohypoparathyroidism Ic (PHP-Ic). Identifiers: Orphanet 79444, MedGen C2932716, MONDO:0012911, OMIM 612462.
Progressive osseous heteroplasia (POH). Also called: ECTOPIC OSSIFICATION, FAMILIAL; Osteoma cutis; Osseus Heteroplasia, Progressive; Progressive Osseus Heteroplasia (POH). Identifiers: Orphanet 2762, MedGen C0334041, MONDO:0008153, OMIM 166350, HP:0025027.
Pseudohypoparathyroidism type 1B (PHP1B). Also called: PHP IB; Pseudohypoparathyroidism Type IB; Pseudohypoparathyroidism Ib (PHP-Ib). Identifiers: Orphanet 94089, MedGen C1864100, MONDO:0011301, OMIM 603233.
Pseudohypoparathyroidism type I A (PHP1A). Also called: ALBRIGHT HEREDITARY OSTEODYSTROPHY WITH MULTIPLE HORMONE RESISTANCE; PHP IA; Pseudohypoparathyroidism type 1A; Pseudohypoparathyroidism Type IA; Pseudohypoparathyroidism Ia (PHP-Ia). Identifiers: Orphanet 79443, MedGen C3494506, MONDO:0007078, OMIM 103580.

gnomAD v4.1: 1 of 1,613,142 alleles (0.000062%); highest among the groups gnomAD compares: East Asian, 0.0022%; no homozygotes.

Submissions (2):

PreventionGenetics, part of Exact Sciences
Classification: Uncertain significance for GNAS-related condition. Last evaluated: 2026-01-29. Review status: criteria provided, single submitter. Criteria: ACMG Guidelines, 2015. Collection method: clinical testing. Allele origin: germline.
Comment: The GNAS c.934G>A variant is predicted to result in the amino acid substitution p.Gly312Ser. To our knowledge, this variant has not been reported in the literature or in a large population database (gnomAD), indicating this variant is rare. At this time, the clinical significance of this variant is uncertain due to the absence of conclusive functional and genetic evidence.

Clinical Genomics Laboratory, Washington University in St. Louis
Classification: Uncertain significance for Pseudohypoparathyroidism type 1C; Pseudohypoparathyroidism type 1B; Pseudohypoparathyroidism type I A; Progressive osseous heteroplasia. Last evaluated: 2025-03-07. Review status: criteria provided, single submitter. Criteria: ACMG Guidelines, 2015. Collection method: clinical testing. Allele origin: germline.
Comment: A GNAS c.934G>A (p.Gly312Ser) variant was identified at a near heterozygous allelic fraction of 51.2%, a frequency which may be consistent with it being of germline origin. This variant, to our knowledge, has not been reported in the medical literature. This variant is only observed on 1/1,613,142 alleles in the general population (gnomAD v4.1.0), indicating it is not a common variant. Computational predictors suggest that the variant does not impact GNAS function. Due to limited information, and based on ACMG/AMP guidelines for variant interpretation (Richards S et al., PMID: 25741868), the clinical significance of this variant is uncertain at this time.